The following is an entry in ClinVar:

ClinVar aggregate classification (germline): Conflicting classifications of pathogenicity. Review status: criteria provided, conflicting classifications (1 of 4 stars). 8 submissions from 8 submitters: Uncertain significance (5); Likely benign (2). 1 of the submissions does not count toward it. Last evaluated 2026-01-31.

Conditions:
Inborn genetic diseases. Identifiers: MedGen C0950123, MeSH D030342.
Glycogen storage disease, type V (GSD5). Also called: McArdle type glycogen storage disease; MCARDLE DISEASE; MUSCLE GLYCOGEN PHOSPHORYLASE DEFICIENCY; MYOPHOSPHORYLASE DEFICIENCY; PYGM DEFICIENCY. Identifiers: Orphanet 368, MedGen C0017924, MONDO:0009293, OMIM 232600.

Allele frequency attached by ClinVar (database versions not stated): gnomAD exomes 0.00013 and 0.00038; ExAC 0.00045; 1000 Genomes Project 30x 0.00094; 1000 Genomes Project 0.00100; ESP Exome Variant Server 0.00108; gnomAD 0.00153 and 0.00160; TOPMed 0.00162.

Submissions (8):

Labcorp Genetics (formerly Invitae), Labcorp
Classification: Likely benign for Glycogen storage disease, type V. Last evaluated: 2026-01-31. Review status: criteria provided, single submitter. Criteria: Invitae Variant Classification Sherloc (09022015). Collection method: clinical testing. Allele origin: germline.

GeneDx
Classification: Uncertain significance. Last evaluated: 2025-07-14. Review status: criteria provided, single submitter. Criteria: GeneDx Variant Classification Process June 2021. Collection method: clinical testing. Allele origin: germline. Affected: yes.
Comment: Has not been previously published as pathogenic or benign to our knowledge; In silico analysis supports that this missense variant has a deleterious effect on protein structure/function

Revvity Omics, Revvity
Classification: Uncertain significance for Glycogen storage disease, type V. Last evaluated: 2025-01-22. Review status: criteria provided, single submitter. Criteria: ACMG Guidelines, 2015. Collection method: clinical testing. Allele origin: germline.

Ambry Genetics
Classification: Uncertain significance for Inborn genetic diseases. Last evaluated: 2025-01-16. Review status: criteria provided, single submitter. Criteria: Ambry Variant Classification Scheme 2023. Collection method: clinical testing. Allele origin: germline.

Blueprint Genetics
Classification: Uncertain significance. Last evaluated: 2024-11-26. Review status: criteria provided, single submitter. Criteria: ACMG Guidelines, 2015. Collection method: clinical testing. Allele origin: germline.

Mayo Clinic Laboratories, Mayo Clinic
Classification: Uncertain significance. Last evaluated: 2024-05-21. Review status: criteria provided, single submitter. Criteria: ACMG Guidelines, 2015. Collection method: clinical testing. Allele origin: germline. Observed: 3 variant alleles.
Comment: BS1

Eurofins Ntd Llc (ga)
Classification: Likely benign. Last evaluated: 2015-07-17. Review status: criteria provided, single submitter. Criteria: EGL Classification Definitions 2015. Collection method: clinical testing. Allele origin: germline. Observed: 2 variant alleles, 2 heterozygotes.

Natera, Inc.
Classification: Uncertain significance for Glycogen storage disease V. Last evaluated: 2020-04-14. Review status: no assertion criteria provided. Collection method: clinical testing. Allele origin: germline. Not counted in ClinVar's aggregate classification.

NM_005609.4(PYGM):c.1924C>T (p.Arg642Cys)

Gene: PYGM (glycogen phosphorylase, muscle associated; minus strand). Cytogenetic location: 11q13.1.
Variant type: single nucleotide variant.
Coding change: c.1924C>T on transcript NM_005609.4 (MANE Select); coding-DNA position 1924, C replaced by T.
Protein change: p.Arg642Cys; replaces arginine 642 with cysteine.
Molecular consequence: missense variant.
Genome position (GRCh38, 1-based): chr11:64,751,370, G>A on the plus strand (C>T on the coding strand, the complement: PYGM is on the minus strand). VCF-style: chr11-64751370-G-A. GRCh37 (hg19) VCF-style: chr11-64518842-G-A.
Other names: p.Arg642Cys; c.1660C>T, p.Arg554Cys (NM_001164716.1); short protein forms R642C, R554C.
Identifiers: ClinVar variation 281045 (VCV000281045.26), dbSNP rs116180923, ClinGen allele CA6079674.